The following is an entry in ClinVar:

ClinVar aggregate classification (germline): Likely pathogenic. Review status: reviewed by expert panel (3 of 4 stars). 3 submissions from 3 submitters: Likely pathogenic (1). 2 of the submissions do not count toward it. Last evaluated 2025-11-11.

Conditions:
Familial cancer of breast. Also called: Hereditary breast cancer; BREAST CANCER, FAMILIAL; hereditary breast carcinoma. Identifiers: Orphanet 227535, MedGen C0346153, MONDO:0016419, OMIM 114480. Disease mechanism: loss of function.
ATM-related cancer predisposition. Also called: ATM-related cancer susceptibility. Identifiers: MedGen CN377759, MONDO:0700270.
Ataxia-telangiectasia syndrome (AT). Also called: ATAXIA-TELANGIECTASIA, COMPLEMENTATION GROUP A; ATAXIA-TELANGIECTASIA, FRESNO VARIANT; Ataxia-telangiectasia; Ataxia-telangiectasia, complementation group D; AT, COMPLEMENTATION GROUP C; Ataxia-telangiectasia, complementation group E. Identifiers: Orphanet 100, MedGen C0004135, MONDO:0008840, OMIM 208900.

Submissions (3):

ClinGen Hereditary Breast, Ovarian and Pancreatic Cancer Variant Curation Expert Panel, ClinGen
Classification: Likely pathogenic for ATM-related cancer predisposition. Last evaluated: 2025-11-11. Review status: reviewed by expert panel. Criteria: ClinGen HBOP ACMG Specifications ATM V1.4.0. Collection method: curation. Allele origin: germline. Inheritance: Autosomal dominant inheritance.
Comment: The c.7879T>C variant in ATM is a missense variant predicted to cause substitution of tyrosine by histidine at amino acid 2627 (p.Tyr2627His). This variant has been detected in at least two unrelated individuals with Ataxia-Telangiectasia (PMID: 22071889, 27664052). The variant has been reported to segregate with Ataxia-Telangiectasia in two affected family members from one family (PMID: 22071889). This variant is absent from gnomAD v4.1.0. The computational predictor REVEL gives a score of 0.818, which is above the threshold of 0.7333, evidence that correlates to impact to ATM function. In summary, this variant meets the criteria to be classified as likely pathogenic for autosomal dominant ATM-related cancer predisposition and autosomal recessive Ataxia-Telangiectasia based on the ACMG/AMP criteria applied as specified by the HBOP VCEP. (PM3_Strong, PP1, PM2_Supporting, PP3)

Labcorp Genetics (formerly Invitae), Labcorp
Classification: Pathogenic for Ataxia-telangiectasia syndrome. Last evaluated: 2021-06-11. Review status: criteria provided, single submitter. Criteria: Invitae Variant Classification Sherloc (09022015). Collection method: clinical testing. Allele origin: germline. Not counted in ClinVar's aggregate classification.
Comment: Experimental studies have shown that this variant affects ATM protein function (PMID: 27664052). This variant has been observed in individuals with ataxia-telangiectasia (PMID: 22071889, 27664052). It has also been observed to segregate with disease in related individuals. ClinVar contains an entry for this variant (Variation ID: 870645). This variant is not present in population databases (ExAC no frequency). This sequence change replaces tyrosine with histidine at codon 2627 of the ATM protein (p.Tyr2627His). The tyrosine residue is highly conserved and there is a moderate physicochemical difference between tyrosine and histidine. Advanced modeling of protein sequence and biophysical properties (such as structural, functional, and spatial information, amino acid conservation, physicochemical variation, residue mobility, and thermodynamic stability) performed at Invitae indicates that this missense variant is expected to disrupt ATM protein function. For these reasons, this variant has been classified as Pathogenic.

Liquid Biopsy and Cancer Interception Group, Pfizer-University of Granada-Junta de Andalucía Centre for Genomics and Oncological Research
Classification: Uncertain significance for Familial cancer of breast. Review status: criteria provided, single submitter. Criteria: ACMG Guidelines, 2015. Collection method: clinical testing. Allele origin: germline. Affected: yes. Observed: 1 variant allele. Not counted in ClinVar's aggregate classification.

Literature cited by the submitters: PubMed 27664052 (cited by Labcorp Genetics (formerly Invitae), Labcorp); PubMed 22071889 (cited by Labcorp Genetics (formerly Invitae), Labcorp).

NM_000051.4(ATM):c.7879T>C (p.Tyr2627His)

Genes: ATM (ATM serine/threonine kinase; plus strand), C11orf65 (chromosome 11 open reading frame 65; minus strand). Cytogenetic location: 11q22.3.
Variant type: single nucleotide variant.
Coding change: c.7879T>C on transcript NM_000051.4 (MANE Select); coding-DNA position 7879, T replaced by C.
Protein change: p.Tyr2627His; replaces tyrosine 2627 with histidine.
Molecular consequence: missense variant. On other transcripts: intron variant (2).
Genome position (GRCh38, 1-based): chr11:108,332,852, T>C. VCF-style: chr11-108332852-T-C. GRCh37 (hg19) VCF-style: chr11-108203579-T-C.
Other names: NM_000051.4(ATM):c.7879T>C; p.Tyr2627His; c.7879T>C, p.Tyr2627His (NM_001351834.2); c.641-23781A>G (NM_001330368.2); c.*38+2368A>G (NM_001351110.2); short protein forms Y2627H.
Identifiers: ClinVar variation 870645 (VCV000870645.12), dbSNP rs2086422796, ClinGen allele CA382561430.